The following is an entry in ClinVar:

NM_024685.4(BBS10):c.932C>T (p.Ser311Phe)

Gene: BBS10 (Bardet-Biedl syndrome 10; minus strand). Cytogenetic location: 12q21.2.
Variant type: single nucleotide variant.
Coding change: c.932C>T on transcript NM_024685.4 (MANE Select); coding-DNA position 932, C replaced by T.
Protein change: p.Ser311Phe; replaces serine 311 with phenylalanine.
Molecular consequence: missense variant.
Genome position (GRCh38, 1-based): chr12:76,347,053, G>A on the plus strand (C>T on the coding strand, the complement: BBS10 is on the minus strand). VCF-style: chr12-76347053-G-A. GRCh37 (hg19) VCF-style: chr12-76740833-G-A.
Other names: short protein forms S311F.
Identifiers: ClinVar variation 1019685 (VCV001019685.10), dbSNP rs1951764875, ClinGen allele CA385813560.

ClinVar aggregate classification (germline): Likely pathogenic (1 of 4 stars; one submission).

Conditions:
Bardet-Biedl syndrome (BBS). Identifiers: Orphanet 110, MedGen C0752166, MONDO:0015229.

Allele frequency attached by ClinVar (database versions not stated): gnomAD exomes below 0.00001.
gnomAD v4.1: 2 of 1,613,208 alleles (0.00012%); highest among the groups gnomAD compares: East Asian, 0.0022%; no homozygotes.

Submission:

Labcorp Genetics (formerly Invitae), Labcorp
Classification: Likely pathogenic for Bardet-Biedl syndrome. Last evaluated: 2024-12-16. Review status: criteria provided, single submitter. Criteria: Invitae Variant Classification Sherloc (09022015). Collection method: clinical testing. Allele origin: germline.
Comment: This sequence change replaces serine, which is neutral and polar, with phenylalanine, which is neutral and non-polar, at codon 311 of the BBS10 protein (p.Ser311Phe). This variant is not present in population databases (gnomAD no frequency). This missense change has been observed in individual(s) with clinical features of Bardet-Biedl syndrome (internal data). In at least one individual the data is consistent with being in trans (on the opposite chromosome) from a pathogenic variant. ClinVar contains an entry for this variant (Variation ID: 1019685). Invitae Evidence Modeling of protein sequence and biophysical properties (such as structural, functional, and spatial information, amino acid conservation, physicochemical variation, residue mobility, and thermodynamic stability) indicates that this missense variant is expected to disrupt BBS10 protein function with a positive predictive value of 80%. This variant disrupts the p.Ser311 amino acid residue in BBS10. Other variant(s) that disrupt this residue have been determined to be pathogenic (PMID: 16823392, 20080638, 26518167). This suggests that this residue is clinically significant, and that variants that disrupt this residue are likely to be disease-causing. In summary, the currently available evidence indicates that the variant is pathogenic, but additional data are needed to prove that conclusively. Therefore, this variant has been classified as Likely Pathogenic.

Literature cited by the submitters: PubMed 16823392; PubMed 20080638; PubMed 26518167.